The following is an entry in ClinVar:

ClinVar aggregate classification (germline): Conflicting classifications of pathogenicity. Review status: criteria provided, conflicting classifications (1 of 4 stars). 3 submissions from 3 submitters: Uncertain significance (2); Likely benign (1). Last evaluated 2024-12-07.

Conditions:
Inborn genetic diseases. Identifiers: MedGen C0950123, MeSH D030342.

Allele frequency attached by ClinVar (database versions not stated): gnomAD exomes 0.00001; gnomAD 0.00006; ExAC 0.00007; TOPMed 0.00009.
gnomAD v4.1: 18 of 1,592,494 alleles (0.0011%); highest among the groups gnomAD compares: African/African-American, 0.012%; no homozygotes.

Submissions (3):

Ambry Genetics
Classification: Uncertain significance for Inborn genetic diseases. Last evaluated: 2024-12-07. Review status: criteria provided, single submitter. Criteria: Ambry Variant Classification Scheme 2023. Collection method: clinical testing. Allele origin: germline.

GeneDx
Classification: Uncertain significance. Last evaluated: 2024-07-25. Review status: criteria provided, single submitter. Criteria: GeneDx Variant Classification Process June 2021. Collection method: clinical testing. Allele origin: germline. Affected: yes.
Comment: In silico analysis indicates that this missense variant does not alter protein structure/function; Has not been previously published as pathogenic or benign to our knowledge

Labcorp Genetics (formerly Invitae), Labcorp
Classification: Likely benign. Last evaluated: 2023-11-17. Review status: criteria provided, single submitter. Criteria: Invitae Variant Classification Sherloc (09022015). Collection method: clinical testing. Allele origin: germline.

NM_016239.4(MYO15A):c.1631G>A (p.Arg544His)

Gene: MYO15A (myosin XVA; plus strand). Cytogenetic location: 17p11.2.
Variant type: single nucleotide variant.
Coding change: c.1631G>A on transcript NM_016239.4 (MANE Select); coding-DNA position 1631, G replaced by A.
Protein change: p.Arg544His; replaces arginine 544 with histidine.
Molecular consequence: missense variant.
Genome position (GRCh38, 1-based): chr17:18,120,431, G>A. VCF-style: chr17-18120431-G-A. GRCh37 (hg19) VCF-style: chr17-18023745-G-A.
Other names: short protein forms R544H.
Identifiers: ClinVar variation 2239734 (VCV002239734.7), dbSNP rs780547562, ClinGen allele CA8423142.